The following is an entry in ClinVar:

NM_025137.4(SPG11):c.5990T>A (p.Leu1997Gln)

Gene: SPG11 (SPG11 vesicle trafficking associated, spatacsin; minus strand). Cytogenetic location: 15q21.1.
Variant type: single nucleotide variant.
Coding change: c.5990T>A on transcript NM_025137.4 (MANE Select); coding-DNA position 5990, T replaced by A.
Protein change: p.Leu1997Gln; replaces leucine 1997 with glutamine.
Molecular consequence: missense variant. On other transcripts: intron variant (1).
Genome position (GRCh38, 1-based): chr15:44,574,918, A>T on the plus strand (T>A on the coding strand, the complement: SPG11 is on the minus strand). VCF-style: chr15-44574918-A-T. GRCh37 (hg19) VCF-style: chr15-44867116-A-T.
Other names: c.5867-2098T>A (NM_001160227.2); short protein forms L1997Q.
Identifiers: ClinVar variation 664720 (VCV000664720.8), dbSNP rs879367729, ClinGen allele CA270071056.

ClinVar aggregate classification (germline): Uncertain significance. Review status: criteria provided, multiple submitters, no conflicts (2 of 4 stars). 3 submissions from 3 submitters: Uncertain significance (3). Last evaluated 2025-06-13.

Conditions:
SPG11-related disorder. Also called: SPG11-related condition.
Hereditary spastic paraplegia 11. Also called: Nakamura Osame syndrome; Autosomal recessive hereditary spastic paraplegia, mental impairment, and thin corpus callosum; Spastic paraplegia, mental retardation and thin corpus callosum; Spastic Paraplegia 11; SPASTIC PARAPLEGIA, AUTOSOMAL RECESSIVE, COMPLICATED, WITH THIN CORPUS CALLOSUM; SPASTIC PARAPLEGIA, AUTOSOMAL RECESSIVE, WITH MENTAL IMPAIRMENT AND THIN CORPUS CALLOSUM. Identifiers: Orphanet 2822, MedGen C1858479, MONDO:0011445, OMIM 604360.
Juvenile amyotrophic lateral sclerosis (JALS). Also called: Juvenile Amyotrophic Lateral Sclerosis (JALS). Identifiers: Orphanet 300605, MedGen C3468114, MONDO:0017593.
Charcot-Marie-Tooth disease axonal type 2X. Also called: CHARCOT-MARIE-TOOTH DISEASE, AXONAL, AUTOSOMAL RECESSIVE, TYPE 2X; CHARCOT-MARIE-TOOTH NEUROPATHY, TYPE 2X. Identifiers: Orphanet 466775, MedGen C5569024, MONDO:0014726, OMIM 616668.
Inborn genetic diseases. Identifiers: MedGen C0950123, MeSH D030342.

Allele frequency attached by ClinVar (database versions not stated): TOPMed 0.00002.
gnomAD v4.1: 14 of 1,613,872 alleles (0.00087%); highest among the groups gnomAD compares: Non-Finnish European, 0.0011%; no homozygotes.

Submissions (3):

PreventionGenetics, part of Exact Sciences
Classification: Uncertain significance for SPG11-related condition. Last evaluated: 2025-06-13. Review status: criteria provided, single submitter. Criteria: ACMG Guidelines, 2015. Collection method: clinical testing. Allele origin: germline.
Comment: The SPG11 c.5990T>A variant is predicted to result in the amino acid substitution p.Leu1997Gln. To our knowledge, this variant has not been reported in the literature or in a large population database (gnomAD), indicating this variant is rare. At this time, the clinical significance of this variant is uncertain due to the absence of conclusive functional and genetic evidence.

Ambry Genetics
Classification: Uncertain significance for Inborn genetic diseases. Last evaluated: 2024-01-04. Review status: criteria provided, single submitter. Criteria: Ambry Variant Classification Scheme 2023. Collection method: clinical testing. Allele origin: germline.

Labcorp Genetics (formerly Invitae), Labcorp
Classification: Uncertain significance for Hereditary spastic paraplegia 11. Last evaluated: 2022-07-09. Review status: criteria provided, single submitter. Criteria: Invitae Variant Classification Sherloc (09022015). Collection method: clinical testing. Allele origin: germline.
Comment: This sequence change replaces leucine, which is neutral and non-polar, with glutamine, which is neutral and polar, at codon 1997 of the SPG11 protein (p.Leu1997Gln). This variant is not present in population databases (gnomAD no frequency). This variant has not been reported in the literature in individuals affected with SPG11-related conditions. ClinVar contains an entry for this variant (Variation ID: 664720). Algorithms developed to predict the effect of missense changes on protein structure and function are either unavailable or do not agree on the potential impact of this missense change (SIFT: "Deleterious"; PolyPhen-2: "Probably Damaging"; Align-GVGD: "Class C0"). In summary, the available evidence is currently insufficient to determine the role of this variant in disease. Therefore, it has been classified as a Variant of Uncertain Significance.